The following is an entry in ClinVar:

ClinVar aggregate classification (germline): Uncertain significance (1 of 4 stars; one submission).

Submission:

Labcorp Genetics (formerly Invitae), Labcorp
Classification: Uncertain significance. Last evaluated: 2022-02-08. Review status: criteria provided, single submitter. Criteria: Invitae Variant Classification Sherloc (09022015). Collection method: clinical testing. Allele origin: germline.
Comment: In summary, the available evidence is currently insufficient to determine the role of this variant in disease. Therefore, it has been classified as a Variant of Uncertain Significance. Algorithms developed to predict the effect of missense changes on protein structure and function are either unavailable or do not agree on the potential impact of this missense change (SIFT: "Deleterious"; PolyPhen-2: "Possibly Damaging"; Align-GVGD: "Class C15"). This variant has not been reported in the literature in individuals affected with MCM3AP-related conditions. This variant is not present in population databases (gnomAD no frequency). This sequence change replaces serine, which is neutral and polar, with phenylalanine, which is neutral and non-polar, at codon 1910 of the MCM3AP protein (p.Ser1910Phe).

NM_003906.5(MCM3AP):c.5729C>T (p.Ser1910Phe)

Genes: MCM3AP (minichromosome maintenance complex component 3 associated protein; minus strand), MCM3AP-AS1 (MCM3AP antisense RNA 1; plus strand). Cytogenetic location: 21q22.3.
Variant type: single nucleotide variant.
Coding change: c.5729C>T on transcript NM_003906.5 (MANE Select); coding-DNA position 5729, C replaced by T.
Protein change: p.Ser1910Phe; replaces serine 1910 with phenylalanine.
Molecular consequence: missense variant.
Genome position (GRCh38, 1-based): chr21:46,236,884, G>A on the plus strand (C>T on the coding strand, the complement: MCM3AP is on the minus strand). VCF-style: chr21-46236884-G-A. GRCh37 (hg19) VCF-style: chr21-47656798-G-A.
Other names: short protein forms S1910F.
Identifiers: ClinVar variation 2094674 (VCV002094674.4), dbSNP rs764571372, ClinGen allele CA410534692.